The following is an entry in ClinVar:

ClinVar aggregate classification (germline): Uncertain significance. Review status: criteria provided, multiple submitters, no conflicts (2 of 4 stars). 2 submissions from 2 submitters: Uncertain significance (2). Last evaluated 2022-09-05.

Conditions:
Inborn genetic diseases. Identifiers: MedGen C0950123, MeSH D030342.

Allele frequency attached by ClinVar (database versions not stated): gnomAD 0.00002; TOPMed 0.00002; ESP Exome Variant Server 0.00008; gnomAD exomes 0.00017.
gnomAD v4.1: 238 of 1,614,134 alleles (0.015%); highest among the groups gnomAD compares: Non-Finnish European, 0.02%; no homozygotes.

Submissions (2):

Labcorp Genetics (formerly Invitae), Labcorp
Classification: Uncertain significance. Last evaluated: 2022-09-05. Review status: criteria provided, single submitter. Criteria: Invitae Variant Classification Sherloc (09022015). Collection method: clinical testing. Allele origin: germline.
Comment: This sequence change replaces arginine, which is basic and polar, with cysteine, which is neutral and slightly polar, at codon 1331 of the INSR protein (p.Arg1331Cys). In summary, the available evidence is currently insufficient to determine the role of this variant in disease. Therefore, it has been classified as a Variant of Uncertain Significance. Advanced modeling of protein sequence and biophysical properties (such as structural, functional, and spatial information, amino acid conservation, physicochemical variation, residue mobility, and thermodynamic stability) performed at Invitae indicates that this missense variant is not expected to disrupt INSR protein function. This variant has not been reported in the literature in individuals affected with INSR-related conditions. This variant is present in population databases (rs374098153, gnomAD 0.006%).

Ambry Genetics
Classification: Uncertain significance for Inborn genetic diseases. Last evaluated: 2022-01-31. Review status: criteria provided, single submitter. Criteria: Ambry Variant Classification Scheme 2023. Collection method: clinical testing. Allele origin: germline.

NM_000208.4(INSR):c.3991C>T (p.Arg1331Cys)

Gene: INSR (insulin receptor; minus strand). Cytogenetic location: 19p13.2.
Variant type: single nucleotide variant.
Coding change: c.3991C>T on transcript NM_000208.4 (MANE Select); coding-DNA position 3991, C replaced by T.
Protein change: p.Arg1331Cys; replaces arginine 1331 with cysteine.
Molecular consequence: missense variant.
Genome position (GRCh38, 1-based): chr19:7,117,214, G>A on the plus strand (C>T on the coding strand, the complement: INSR is on the minus strand). VCF-style: chr19-7117214-G-A. GRCh37 (hg19) VCF-style: chr19-7117225-G-A.
Other names: c.3991C>T (NM_000208.2); c.3955C>T, p.Arg1319Cys (NM_001079817.3); short protein forms R1319C, R1331C.
Identifiers: ClinVar variation 2144562 (VCV002144562.5), dbSNP rs374098153, ClinGen allele CA9135110.